The following is an entry in ClinVar:

ClinVar aggregate classification (germline): Uncertain significance (1 of 4 stars; one submission).

Submission:

GeneDx
Classification: Uncertain significance. Last evaluated: 2019-10-20. Review status: criteria provided, single submitter. Criteria: GeneDx Variant Classification Process June 2021. Collection method: clinical testing. Allele origin: germline. Affected: yes.
Comment: Not observed in large population cohorts (Lek et al., 2016); The majority of missense variants in this gene are considered pathogenic (Stenson et al., 2014); In silico analysis, which includes protein predictors and evolutionary conservation, supports a deleterious effect; Has not been previously published as pathogenic or benign to our knowledge

NM_000284.4(PDHA1):c.1069C>G (p.Pro357Ala)

Gene: PDHA1 (pyruvate dehydrogenase E1 subunit alpha 1; plus strand). Cytogenetic location: Xp22.12.
Variant type: single nucleotide variant.
Coding change: c.1069C>G on transcript NM_000284.4 (MANE Select); coding-DNA position 1069, C replaced by G.
Protein change: p.Pro357Ala; replaces proline 357 with alanine.
Molecular consequence: missense variant.
Genome position (GRCh38, 1-based): chrX:19,359,549, C>G. VCF-style: chrX-19359549-C-G. GRCh37 (hg19) VCF-style: chrX-19377667-C-G.
Other names: c.1183C>G, p.Pro395Ala (NM_001173454.2); c.1090C>G, p.Pro364Ala (NM_001173455.2); c.976C>G, p.Pro326Ala (NM_001173456.2); short protein forms P326A, P357A, P364A, P395A.
Identifiers: ClinVar variation 1309286 (VCV001309286.2), dbSNP rs2147189166, ClinGen allele CA412396633.